The following is an entry in ClinVar:

ClinVar aggregate classification (germline): Uncertain significance (1 of 4 stars; one submission).

Submission:

Ambry Genetics
Classification: Uncertain significance. Last evaluated: 2021-08-10. Review status: criteria provided, single submitter. Criteria: Ambry Variant Classification Scheme 2023. Collection method: clinical testing. Allele origin: germline.
Comment: The p.Y391H variant (also known as c.1171T>C), located in coding exon 8 of the IDH1 gene, results from a T to C substitution at nucleotide position 1171. The tyrosine at codon 391 is replaced by histidine, an amino acid with similar properties. This amino acid position is conserved. In addition, this alteration is predicted to be deleterious by in silico analysis. Since supporting evidence is limited at this time, the clinical significance of this alteration remains unclear.

NM_005896.4(IDH1):c.1171T>C (p.Tyr391His)

Gene: IDH1 (isocitrate dehydrogenase (NADP(+)) 1; minus strand). Cytogenetic location: 2q34.
Variant type: single nucleotide variant.
Coding change: c.1171T>C on transcript NM_005896.4 (MANE Select); coding-DNA position 1171, T replaced by C.
Protein change: p.Tyr391His; replaces tyrosine 391 with histidine.
Molecular consequence: missense variant.
Genome position (GRCh38, 1-based): chr2:208,237,153, A>G on the plus strand (T>C on the coding strand, the complement: IDH1 is on the minus strand). VCF-style: chr2-208237153-A-G. GRCh37 (hg19) VCF-style: chr2-209101877-A-G.
Other names: c.1171T>C, p.Tyr391His (NM_001282386.1, NM_001282387.1); short protein forms Y391H.
Identifiers: ClinVar variation 1739806 (VCV001739806.2), dbSNP rs2469010523, ClinGen allele CA350093644.